The following is an entry in ClinVar:

ClinVar aggregate classification (germline): Uncertain significance. Review status: criteria provided, multiple submitters, no conflicts (2 of 4 stars). 2 submissions from 2 submitters: Uncertain significance (2). Last evaluated 2024-06-16.

Conditions:
Combined deficiency of sialidase AND beta galactosidase (GSL). Also called: CATHEPSIN A DEFICIENCY; GOLDBERG SYNDROME; Galactosialidosis; NEURAMINIDASE DEFICIENCY WITH BETA-GALACTOSIDASE DEFICIENCY; NEURAMINIDASE/BETA-GALACTOSIDASE EXPRESSION; PPCA DEFICIENCY. Identifiers: Orphanet 351, MedGen C0268233, MONDO:0009737, OMIM 256540.
Inborn genetic diseases. Identifiers: MedGen C0950123, MeSH D030342.

Allele frequency attached by ClinVar (database versions not stated): gnomAD 0.00001; TOPMed 0.00001; ExAC 0.00002; gnomAD exomes 0.00002.
gnomAD v4.1: 26 of 1,613,900 alleles (0.0016%); highest among the groups gnomAD compares: Non-Finnish European, 0.0021%; no homozygotes.

Submissions (2):

Ambry Genetics
Classification: Uncertain significance for Inborn genetic diseases. Last evaluated: 2024-06-16. Review status: criteria provided, single submitter. Criteria: Ambry Variant Classification Scheme 2023. Collection method: clinical testing. Allele origin: germline.

Labcorp Genetics (formerly Invitae), Labcorp
Classification: Uncertain significance for Combined deficiency of sialidase AND beta galactosidase. Last evaluated: 2021-12-03. Review status: criteria provided, single submitter. Criteria: Invitae Variant Classification Sherloc (09022015). Collection method: clinical testing. Allele origin: germline.
Comment: This sequence change replaces glutamine, which is neutral and polar, with histidine, which is basic and polar, at codon 376 of the CTSA protein (p.Gln376His). This variant is present in population databases (rs766994463, gnomAD 0.004%). This variant has not been reported in the literature in individuals affected with CTSA-related conditions. ClinVar contains an entry for this variant (Variation ID: 999056). Algorithms developed to predict the effect of missense changes on protein structure and function output the following: SIFT: "Not Available"; PolyPhen-2: "Benign"; Align-GVGD: "Not Available". The histidine amino acid residue is found in multiple mammalian species, which suggests that this missense change does not adversely affect protein function. In summary, the available evidence is currently insufficient to determine the role of this variant in disease. Therefore, it has been classified as a Variant of Uncertain Significance.

NM_000308.4(CTSA):c.1074A>T (p.Gln358His)

Gene: CTSA (cathepsin A; plus strand). Cytogenetic location: 20q13.12.
Variant type: single nucleotide variant.
Coding change: c.1074A>T on transcript NM_000308.4 (MANE Select); coding-DNA position 1074, A replaced by T.
Protein change: p.Gln358His; replaces glutamine 358 with histidine.
Molecular consequence: missense variant. On other transcripts: non-coding transcript variant (1).
Genome position (GRCh38, 1-based): chr20:45,895,119, A>T. VCF-style: chr20-45895119-A-T. GRCh37 (hg19) VCF-style: chr20-44523758-A-T.
Other names: c.1074A>T, p.Gln358His (NM_001127695.3); c.1023A>T, p.Gln341His (NM_001167594.3); c.1128A>T (NM_000308.2); short protein forms Q358H, Q341H.
Identifiers: ClinVar variation 999056 (VCV000999056.6), dbSNP rs766994463, ClinGen allele CA9883265.
Genomic context (GRCh38, chr20:45,895,119, plus strand): 5'-CACCTACCTCAACAACCCGTACGTGCGGAAGGCCCTCAACATCCCGGAGCAGCTGCCACA[A>T]TGGGACATGTGCAAGTGAGGTTCCGTGGCCACCTGTGACTTGGGGTGGTGGGTTGCTGGG-3'
Protein context (NP_000299.3, residues 348-368): KALNIPEQLP[Gln358His]WDMCNFLVNL